The following is an entry in ClinVar:

NM_001346754.2(PIGW):c.1376C>T (p.Thr459Ile)

Genes: MYO19 (myosin XIX; minus strand), PIGW (phosphatidylinositol glycan anchor biosynthesis class W; plus strand). Cytogenetic location: 17q12.
Variant type: single nucleotide variant.
Coding change: c.1376C>T on transcript NM_001346754.2 (MANE Select); coding-DNA position 1376, C replaced by T.
Protein change: p.Thr459Ile; replaces threonine 459 with isoleucine.
Molecular consequence: missense variant.
Genome position (GRCh38, 1-based): chr17:36,538,477, C>T. VCF-style: chr17-36538477-C-T. GRCh37 (hg19) VCF-style: chr17-34894326-C-T.
Other names: c.1376C>T, p.Thr459Ile (NM_001346755.2, NM_178517.5); short protein forms T459I.
Identifiers: ClinVar variation 1481024 (VCV001481024.6), dbSNP rs749727512, ClinGen allele CA290116808.

ClinVar aggregate classification (germline): Uncertain significance (1 of 4 stars; one submission).

Conditions:
Hyperphosphatasia with intellectual disability syndrome 5 (GPIBD11). Also called: GLYCOSYLPHOSPHATIDYLINOSITOL BIOSYNTHESIS DEFECT 11. Identifiers: Orphanet 247262, MedGen C4014958, MONDO:0014457, OMIM 616025.

Allele frequency attached by ClinVar (database versions not stated): gnomAD exomes below 0.00001 and 0.00001; ExAC 0.00001; gnomAD 0.00001; TOPMed 0.00001.
gnomAD v4.1: 11 of 1,614,010 alleles (0.00068%); highest among the groups gnomAD compares: Non-Finnish European, 0.00093%; no homozygotes.

Submission:

Labcorp Genetics (formerly Invitae), Labcorp
Classification: Uncertain significance for Hyperphosphatasia with intellectual disability syndrome 5. Last evaluated: 2021-08-22. Review status: criteria provided, single submitter. Criteria: Invitae Variant Classification Sherloc (09022015). Collection method: clinical testing. Allele origin: germline.
Comment: This sequence change replaces threonine with isoleucine at codon 459 of the PIGW protein (p.Thr459Ile). The threonine residue is highly conserved and there is a moderate physicochemical difference between threonine and isoleucine. This variant is present in population databases (rs749727512, ExAC 0.002%). This variant has not been reported in the literature in individuals affected with PIGW-related conditions. Algorithms developed to predict the effect of missense changes on protein structure and function (SIFT, PolyPhen-2, Align-GVGD) all suggest that this variant is likely to be disruptive. In summary, the available evidence is currently insufficient to determine the role of this variant in disease. Therefore, it has been classified as a Variant of Uncertain Significance.